The following is an entry in ClinVar:

NM_000320.3(QDPR):c.49G>A (p.Gly17Ser)

Genes: QDPR (quinoid dihydropteridine reductase; minus strand), LOC129992304 (ATAC-STARR-seq lymphoblastoid silent region 15310; plus strand). Cytogenetic location: 4p15.32.
Variant type: single nucleotide variant.
Coding change: c.49G>A on transcript NM_000320.3 (MANE Select); coding-DNA position 49, G replaced by A.
Protein change: p.Gly17Ser; replaces glycine 17 with serine.
Molecular consequence: missense variant. On other transcripts: non-coding transcript variant (1).
Genome position (GRCh38, 1-based): chr4:17,512,006, C>T on the plus strand (G>A on the coding strand, the complement: QDPR is on the minus strand). VCF-style: chr4-17512006-C-T. GRCh37 (hg19) VCF-style: chr4-17513629-C-T.
Other names: c.49G>A, p.Gly17Ser (NM_001306140.2); short protein forms G17S.
Identifiers: ClinVar variation 3062050 (VCV003062050.1), dbSNP rs757483045, ClinGen allele CA356454420.
Genomic context (GRCh38, chr4:17,512,006, plus strand): 5'-TTACCCAGTTGCGGGCCCGAAAAGCCTGCACGCATCGAGAACCCAGAGCGCCCCTGCCGC[C>T]GTACACCAGCACCCGGCGCGCCTCGCCTGCAGCCGCCGCCGCCGCCATCCTGCTCCTGCC-3'
Protein context (NP_000311.2, residues 7-27): AGEARRVLVY[Gly17Ser]GRGALGSRCV

ClinVar aggregate classification (germline): Likely pathogenic (1 of 4 stars; one submission).

Conditions:
Dihydropteridine reductase deficiency (HPABH4C). Also called: DHPR DEFICIENCY; BH4-Deficient Hyperphenylalaninemia C; HYPERPHENYLALANINEMIA, TETRAHYDROBIOPTERIN-DEFICIENT, DUE TO DHPR DEFICIENCY; QDPR DEFICIENCY; QUINOID DIHYDROPTERIDINE REDUCTASE DEFICIENCY; Phenylketonuria II. Identifiers: Orphanet 226, Orphanet 238583, MedGen C0268465, MONDO:0009862, OMIM 261630.

gnomAD v4.1: 1 of 1,609,732 alleles (0.000062%); highest among the groups gnomAD compares: South Asian, 0.0011%; no homozygotes.

Submission:

Illumina Laboratory Services, Illumina
Classification: Likely pathogenic for Dihydropteridine reductase deficiency. Last evaluated: 2020-04-28. Review status: criteria provided, single submitter. Criteria: ICSLVariantClassificationCriteria RUGD 01 April 2020. Collection method: clinical testing. Allele origin: unknown.
Comment: The QDPR c.49G>A p.(Gly17Ser) missense variant has not, to our knowledge, been reported in the peer-reviewed literature. This variant is not observed in version 2.1.1 of the Genome Aggregation Database. The p.Gly17Ser variant occurs in a hotspot region of the QDPR gene that includes several variants at the Gly17 residue, including one found in a compound heterozygous state with a null allele in an affected individual (Smooker et al. 1999; Al-Jasmi et al. 2015; Foroozani et al. 2015). Multiple lines of computational evidence suggest the variant may impact the gene or gene product. Based on the collective evidence the c.49G>A p.(Gly17Ser) variant is classified as likely pathogenic for BH4-deficient hyperphenylalaninemia.